The following is an entry in ClinVar:

NM_201384.3(PLEC):c.9644A>G (p.Lys3215Arg)

Gene: PLEC (plectin; minus strand). Cytogenetic location: 8q24.3.
Variant type: single nucleotide variant.
Coding change: c.9644A>G on transcript NM_201384.3 (MANE Select); coding-DNA position 9644, A replaced by G.
Protein change: p.Lys3215Arg; replaces lysine 3215 with arginine.
Molecular consequence: missense variant.
Genome position (GRCh38, 1-based): chr8:143,920,177, T>C on the plus strand (A>G on the coding strand, the complement: PLEC is on the minus strand). VCF-style: chr8-143920177-T-C. GRCh37 (hg19) VCF-style: chr8-144994345-T-C.
Other names: c.9725A>G, p.Lys3242Arg (NM_000445.5); c.9602A>G, p.Lys3201Arg (NM_201378.4); c.9578A>G, p.Lys3193Arg (NM_201379.3); c.10055A>G, p.Lys3352Arg (NM_201380.4); c.9548A>G, p.Lys3183Arg (NM_201381.3); c.9644A>G, p.Lys3215Arg (NM_201382.4); c.9656A>G, p.Lys3219Arg (NM_201383.3); c.9725A>G (NM_000445.3); short protein forms K3193R, K3201R, K3352R, K3215R, K3242R, K3183R, K3219R.
Identifiers: ClinVar variation 1429946 (VCV001429946.11), dbSNP rs782508927, ClinGen allele CA187609911.

ClinVar aggregate classification (germline): Uncertain significance. Review status: criteria provided, multiple submitters, no conflicts (2 of 4 stars). 2 submissions from 2 submitters: Uncertain significance (2). Last evaluated 2025-08-30.

Conditions:
Epidermolysis bullosa simplex 5B, with muscular dystrophy (EBS5B). Also called: EPIDERMOLYSIS BULLOSA SIMPLEX AND LIMB-GIRDLE MUSCULAR DYSTROPHY; Epidermolysis bullosa simplex with muscular dystrophy. Identifiers: Orphanet 257, MedGen C2931072, MONDO:0009181, OMIM 226670.
Epidermolysis bullosa simplex, Ogna type (EBS5A). Also called: Pidermolysis bullosa simplex 5A, Ogna type; EPIDERMOLYSIS BULLOSA SIMPLEX 5A, OGNA TYPE. Identifiers: Orphanet 79401, MedGen C0432317, MONDO:0007555, OMIM 131950.
Epidermolysis bullosa simplex with nail dystrophy (EBS5D). Identifiers: MedGen C4225309, MONDO:0014661, OMIM 616487.
Epidermolysis bullosa simplex 5C, with pyloric atresia (EBS5C). Also called: PLEC1-Related Epidermolysis Bullosa with Pyloric Atresia; Epidermolysis bullosa simplex with pyloric atresia; PLEC-Related Epidermolysis Bullosa with Pyloric Atresia. Identifiers: Orphanet 158684, MedGen C2677349, MONDO:0012807, OMIM 612138.
Autosomal recessive limb-girdle muscular dystrophy type 2Q (LGMDR17). Also called: MUSCULAR DYSTROPHY, LIMB-GIRDLE, AUTOSOMAL RECESSIVE 17. Identifiers: Orphanet 254361, MedGen C3150989, MONDO:0013390, OMIM 613723.
Inborn genetic diseases. Identifiers: MedGen C0950123, MeSH D030342.

Allele frequency attached by ClinVar (database versions not stated): gnomAD exomes 0.00001 and 0.00009; gnomAD 0.00003; TOPMed 0.00004.
gnomAD v4.1: 129 of 1,611,906 alleles (0.008%); highest among the groups gnomAD compares: Non-Finnish European, 0.011%; no homozygotes.

Submissions (2):

Ambry Genetics
Classification: Uncertain significance for Inborn genetic diseases. Last evaluated: 2025-08-30. Review status: criteria provided, single submitter. Criteria: Ambry Variant Classification Scheme 2023. Collection method: clinical testing. Allele origin: germline.

Labcorp Genetics (formerly Invitae), Labcorp
Classification: Uncertain significance for Autosomal recessive limb-girdle muscular dystrophy type 2Q; Epidermolysis bullosa simplex, Ogna type; Epidermolysis bullosa simplex with nail dystrophy; Epidermolysis bullosa simplex 5C, with pyloric atresia; Epidermolysis bullosa simplex 5B, with muscular dystrophy. Last evaluated: 2025-06-22. Review status: criteria provided, single submitter. Criteria: Invitae Variant Classification Sherloc (09022015). Collection method: clinical testing. Allele origin: germline.
Comment: This sequence change replaces lysine, which is basic and polar, with arginine, which is basic and polar, at codon 3242 of the PLEC protein (p.Lys3242Arg). This variant is present in population databases (rs782508927, gnomAD 0.003%). This variant has not been reported in the literature in individuals affected with PLEC-related conditions. ClinVar contains an entry for this variant (Variation ID: 1429946). An algorithm developed to predict the effect of missense changes on protein structure and function (PolyPhen-2) suggests that this variant is likely to be disruptive. In summary, the available evidence is currently insufficient to determine the role of this variant in disease. Therefore, it has been classified as a Variant of Uncertain Significance.